The following is an entry in ClinVar:

NM_001323289.2(CDKL5):c.191T>C (p.Leu64Pro)

Gene: CDKL5 (cyclin dependent kinase like 5; plus strand). Cytogenetic location: Xp22.13.
Variant type: single nucleotide variant.
Coding change: c.191T>C on transcript NM_001323289.2 (MANE Select); coding-DNA position 191, T replaced by C.
Protein change: p.Leu64Pro; replaces leucine 64 with proline.
Molecular consequence: missense variant.
Genome position (GRCh38, 1-based): chrX:18,575,399, T>C. VCF-style: chrX-18575399-T-C. GRCh37 (hg19) VCF-style: chrX-18593519-T-C.
Other names: NM_001323289.2(CDKL5):c.191T>C; p.Leu64Pro; c.191T>C, p.Leu64Pro (NM_001037343.2, NM_003159.3); short protein forms L64P.
Identifiers: ClinVar variation 143788 (VCV000143788.4), dbSNP rs267608435, ClinGen allele CA170460.

ClinVar aggregate classification (germline): Uncertain significance. Review status: criteria provided, single submitter (1 of 4 stars). 2 submissions from 2 submitters: Uncertain significance (1). 1 of the submissions does not count toward it. Last evaluated 2024-09-24.

Conditions:
CDKL5 disorder. Identifiers: MedGen CN296942, MONDO:0100039.
Developmental and epileptic encephalopathy, 2 (DEE2). Also called: INFANTILE SPASM SYNDROME, X-LINKED 2; CDKL5 deficiency disorder. Identifiers: Orphanet 1934, Orphanet 3451, Orphanet 505652, MedGen C4750718, MONDO:0010396, OMIM 300672.

Submissions (2):

Centre for Population Genomics, CPG
Classification: Uncertain significance for CDKL5 disorder. Last evaluated: 2024-09-24. Review status: criteria provided, single submitter. Criteria: McKnight et al. (Hum Mutat. 2022). Collection method: curation. Allele origin: germline. Inheritance: X-linked inheritance.
Comment: This variant has been collected from RettBASE and curated to current modified ACMG/AMP criteria. Based on the classification scheme defined by the ClinGen Rett/Angelman-like Expert Panel for Rett/AS-like Disorders Specifications to the ACMG/AMP Variant Interpretation Guidelines VCEP 3.0, this variant is classified as a variant of uncertain significance. At least the following criteria are met: Computational prediction analysis tools suggests a deleterious impact (REVEL score>= 0.75) (PP3). This variant is absent from gnomAD (PM2_Supporting). This variant has been identified as a de novo occurrence in an individual with CDKL5 disorder without confirmation of maternity (PM6). PMID: 19564592

RettBASE
Classification: Likely pathogenic for Epileptic encephalopathy, early infantile, 2. Last evaluated: 2014-03-13. Review status: no assertion criteria provided. Collection method: curation. Allele origin: unknown. Affected: yes. Observed: 1 variant allele. Not counted in ClinVar's aggregate classification.
Comment: In silico prediction: SIFT = deleterious, MutationTaster = disease-causing, PolyPhen2 = probably damaging, AlignGVGD = pathogenic (C65)

Literature cited by the submitters: PubMed 19564592 (cited by RettBASE).